The following is an entry in ClinVar:

NM_004736.4(XPR1):c.434T>C (p.Leu145Pro)

Gene: XPR1 (xenotropic and polytropic retrovirus receptor 1; plus strand). Cytogenetic location: 1q25.3.
Variant type: single nucleotide variant.
Coding change: c.434T>C on transcript NM_004736.4 (MANE Select); coding-DNA position 434, T replaced by C.
Protein change: p.Leu145Pro; replaces leucine 145 with proline.
Molecular consequence: missense variant. On other transcripts: non-coding transcript variant (1).
Genome position (GRCh38, 1-based): chr1:180,803,598, T>C. VCF-style: chr1-180803598-T-C. GRCh37 (hg19) VCF-style: chr1-180772734-T-C.
Other names: c.434T>C, p.Leu145Pro (NM_001135669.2, NM_001328662.2); short protein forms L145P.
Identifiers: ClinVar variation 192303 (VCV000192303.3), dbSNP rs786205901, ClinGen allele CA200165.

ClinVar aggregate classification (germline): Pathogenic. Review status: criteria provided, single submitter (1 of 4 stars). 2 submissions from 2 submitters: Pathogenic (1). 1 of the submissions does not count toward it. Last evaluated 2025-02-11.

Conditions:
XPR1-related disorder. Also called: XPR1-related condition.
Basal ganglia calcification, idiopathic, 6 (PFBC6). Also called: PRIMARY FAMILIAL BRAIN CALCIFICATION 6, AUTOSOMAL DOMINANT. Identifiers: Orphanet 1980, MedGen C4225335, MONDO:0014628, OMIM 616413.

Submissions (2):

PreventionGenetics, part of Exact Sciences
Classification: Pathogenic for XPR1-related condition. Last evaluated: 2025-02-11. Review status: criteria provided, single submitter. Criteria: ACMG Guidelines, 2015. Collection method: clinical testing. Allele origin: germline.
Comment: The XPR1 c.434T>C variant is predicted to result in the amino acid substitution p.Leu145Pro. This variant was reported individuals and families affected with primary familial brain calcification (Legati et al. 2015. PubMed ID: 25938945; Ramos et al. 2018. PubMed ID: 29955172). Functional analysis showed that this variant disrupted cell surface expression of XPR1 and impacted phosphate efflux (Legati et al. 2015. PubMed ID: 25938945). This variant has not been reported in a large population database (gnomAD), indicating this variant is rare. This variant is interpreted as pathogenic.

OMIM
Classification: Pathogenic for PRIMARY FAMILIAL BRAIN CALCIFICATION 6, AUTOSOMAL DOMINANT. Last evaluated: 2015-06-01. Review status: no assertion criteria provided. Collection method: literature only. Allele origin: germline. Not counted in ClinVar's aggregate classification.

Literature cited by the submitters: PubMed 886353 (cited by OMIM); PubMed 25938945 (cited by OMIM).